The following is an entry in ClinVar:

NM_004153.4(ORC1):c.2314G>A (p.Val772Ile)

Gene: ORC1 (origin recognition complex subunit 1; minus strand). Cytogenetic location: 1p32.3.
Variant type: single nucleotide variant.
Coding change: c.2314G>A on transcript NM_004153.4 (MANE Select); coding-DNA position 2314, G replaced by A.
Protein change: p.Val772Ile; replaces valine 772 with isoleucine.
Molecular consequence: missense variant.
Genome position (GRCh38, 1-based): chr1:52,374,887, C>T on the plus strand (G>A on the coding strand, the complement: ORC1 is on the minus strand). VCF-style: chr1-52374887-C-T. GRCh37 (hg19) VCF-style: chr1-52840559-C-T.
Other names: c.2314G>A, p.Val772Ile (NM_001190818.2); c.2299G>A, p.Val767Ile (NM_001190819.2); short protein forms V772I, V767I.
Identifiers: ClinVar variation 297579 (VCV000297579.46), dbSNP rs61753389, ClinGen allele CA853057.
Genomic context (GRCh38, chr1:52,374,887, plus strand): 5'-CCTCCAGTCCTGATCGACGGAACTCTGCGAGGATGGCTCTCAGGAAGCTCTGTTCCAGAA[C>T]AGAGGAATTTCTTAAAGGAAACGAGGGGATGTGAGTTTTTGTCAGTGGCTGTAACCCCAG-3'
Protein context (NP_004144.2, residues 762-782): SYITAIKNSS[Val772Ile]LEQSFLRAIL

ClinVar aggregate classification (germline): Benign/Likely benign. Review status: criteria provided, multiple submitters, no conflicts (2 of 4 stars). 7 submissions from 7 submitters: Benign (2); Likely benign (4). 1 of the submissions does not count toward it. Last evaluated 2026-02-01.

Conditions:
ORC1-related disorder. Also called: ORC1-related condition.
Meier-Gorlin syndrome 1 (MGORS1). Also called: EAR, PATELLA, SHORT STATURE SYNDROME. Identifiers: Orphanet 2554, MedGen C4552001, MONDO:0009143, OMIM 224690.

Allele frequency attached by ClinVar (database versions not stated): 1000 Genomes Project 0.00160; 1000 Genomes Project 30x 0.00172; TOPMed 0.00339; ESP Exome Variant Server 0.00454; ExAC 0.00462; gnomAD 0.00484 and 0.00503; gnomAD exomes 0.00489 and 0.00596.
gnomAD v4.1: 9,344 of 1,612,708 alleles (0.58%); highest among the groups gnomAD compares: Non-Finnish European, 0.66%; 40 homozygotes.

Submissions (7):

CeGaT Center for Human Genetics Tuebingen
Classification: Likely benign. Last evaluated: 2026-02-01. Review status: criteria provided, single submitter. Criteria: CeGaT Center For Human Genetics Tuebingen Variant Classification Criteria Version 2. Collection method: clinical testing. Allele origin: germline. Affected: yes. Observed: 5 variant alleles.
Comment: ORC1: BP4, BS2

Labcorp Genetics (formerly Invitae), Labcorp
Classification: Benign. Last evaluated: 2026-02-01. Review status: criteria provided, single submitter. Criteria: Invitae Variant Classification Sherloc (09022015). Collection method: clinical testing. Allele origin: germline.

Fulgent Genetics
Classification: Likely benign for Meier-Gorlin syndrome 1. Last evaluated: 2021-09-29. Review status: criteria provided, single submitter. Criteria: ACMG Guidelines, 2015. Collection method: clinical testing. Allele origin: unknown.

Illumina Laboratory Services, Illumina
Classification: Likely benign for Meier-Gorlin syndrome 1. Last evaluated: 2018-01-12. Review status: criteria provided, single submitter. Criteria: ICSL Variant Classification Criteria 13 December 2019. Collection method: clinical testing. Allele origin: germline.
Comment: This variant was observed in the ICSL laboratory as part of a predisposition screen in an ostensibly healthy population. It had not been previously curated by ICSL or reported in the Human Gene Mutation Database (HGMD: prior to June 1st, 2018), and was therefore a candidate for classification through an automated scoring system. Utilizing variant allele frequency, disease prevalence and penetrance estimates, and inheritance mode, an automated score was calculated to assess if this variant is too frequent to cause the disease. Based on the score and internal cut-off values, a variant classified as likely benign is not then subjected to further curation. The score for this variant resulted in a classification of likely benign for this disease.

Genetic Services Laboratory, University of Chicago
Classification: Benign. Last evaluated: 2017-04-19. Review status: criteria provided, single submitter. Criteria: ACMG Guidelines, 2015. Collection method: clinical testing. Allele origin: germline. Affected: no.

Breakthrough Genomics
Classification: Likely benign. Review status: criteria provided, single submitter. Criteria: ACMG Guidelines, 2015. Collection method: not provided. Allele origin: germline. Inheritance: Autosomal recessive inheritance. Affected: yes.

PreventionGenetics, part of Exact Sciences
Classification: Benign for ORC1-related condition. Last evaluated: 2019-06-27. Review status: no assertion criteria provided. Collection method: clinical testing. Allele origin: germline. Not counted in ClinVar's aggregate classification.
Comment: This variant is classified as benign based on ACMG/AMP sequence variant interpretation guidelines (Richards et al. 2015 PMID: 25741868, with internal and published modifications).